The following is an entry in ClinVar:

ClinVar aggregate classification (germline): Benign. Review status: criteria provided, multiple submitters, no conflicts (2 of 4 stars). 5 submissions from 5 submitters: Benign (4). 1 of the submissions does not count toward it. Last evaluated 2026-02-04.

Conditions:
IL2RB-related disorder. Also called: IL2RB-related condition.

Allele frequency attached by ClinVar (database versions not stated): ESP Exome Variant Server 0.15308; TOPMed 0.17092; 1000 Genomes Project 0.18031; ExAC 0.18524; gnomAD 0.16737 and 0.16645; gnomAD exomes 0.19191; 1000 Genomes Project 30x 0.17989.
gnomAD v4.1: 285,353 of 1,613,818 alleles (18%); highest among the groups gnomAD compares: Admixed American, 28%; 26,470 homozygotes.

Submissions (5):

Labcorp Genetics (formerly Invitae), Labcorp
Classification: Benign. Last evaluated: 2026-02-04. Review status: criteria provided, single submitter. Criteria: Invitae Variant Classification Sherloc (09022015). Collection method: clinical testing. Allele origin: germline.

Unidad de Genómica Garrahan, Hospital de Pediatría Garrahan
Classification: Benign. Last evaluated: 2024-01-24. Review status: criteria provided, single submitter. Criteria: ACMG Guidelines, 2015. Collection method: clinical testing. Allele origin: germline. Affected: no. Observed: 41 variant alleles.
Comment: This variant is classified as Benign based on local population frequency. This variant was detected in 47% of patients studied by a panel of primary immunodeficiencies. Number of patients: 41. Only high quality variants are reported.

Mayo Clinic Laboratories, Mayo Clinic
Classification: Benign. Last evaluated: 2022-09-06. Review status: criteria provided, single submitter. Criteria: ACMG Guidelines, 2015. Collection method: clinical testing. Allele origin: germline. Observed: 251 variant alleles.

Breakthrough Genomics
Classification: Benign. Review status: criteria provided, single submitter. Criteria: ACMG Guidelines, 2015. Collection method: not provided. Allele origin: germline. Inheritance: Autosomal recessive inheritance. Affected: yes.

PreventionGenetics, part of Exact Sciences
Classification: Benign for IL2RB-related condition. Last evaluated: 2019-11-05. Review status: no assertion criteria provided. Collection method: clinical testing. Allele origin: germline. Not counted in ClinVar's aggregate classification.
Comment: This variant is classified as benign based on ACMG/AMP sequence variant interpretation guidelines (Richards et al. 2015 PMID: 25741868, with internal and published modifications).

NM_000878.5(IL2RB):c.1173C>A (p.Asp391Glu)

Gene: IL2RB (interleukin 2 receptor subunit beta; minus strand). Cytogenetic location: 22q12.3.
Variant type: single nucleotide variant.
Coding change: c.1173C>A on transcript NM_000878.5 (MANE Select); coding-DNA position 1173, C replaced by A.
Protein change: p.Asp391Glu; replaces aspartic acid 391 with glutamic acid.
Molecular consequence: missense variant.
Genome position (GRCh38, 1-based): chr22:37,128,579, G>T on the plus strand (C>A on the coding strand, the complement: IL2RB is on the minus strand). VCF-style: chr22-37128579-G-T. GRCh37 (hg19) VCF-style: chr22-37524619-G-T.
Other names: p.Asp391Glu; c.1173C>A (NM_000878.4); c.1173C>A, p.Asp391Glu (NM_001346222.1, NM_001346223.2); short protein forms D391E.
Identifiers: ClinVar variation 1164671 (VCV001164671.15), dbSNP rs228942, ClinGen allele CA10216406.